The following is an entry in ClinVar:

ClinVar aggregate classification (germline): Uncertain significance (1 of 4 stars; one submission).

Conditions:
HTR2C-related disorder. Also called: HTR2C-related condition.

gnomAD v4.1: 1 of 1,210,907 alleles (0.000083%); highest among the groups gnomAD compares: Admixed American, 0.0022%; no homozygotes.

Submission:

PreventionGenetics, part of Exact Sciences
Classification: Uncertain significance for HTR2C-related condition. Last evaluated: 2024-12-06. Review status: criteria provided, single submitter. Criteria: ACMG Guidelines, 2015. Collection method: clinical testing. Allele origin: germline.
Comment: The HTR2C c.739A>G variant is predicted to result in the amino acid substitution p.Met247Val. To our knowledge, this variant has not been reported in the literature. This variant is reported in 0.0036% of alleles in individuals of Latino descent in gnomAD. At this time, the clinical significance of this variant is uncertain due to the absence of conclusive functional and genetic evidence.

NM_000868.4(HTR2C):c.739A>G (p.Met247Val)

Genes: HTR2C (5-hydroxytryptamine receptor 2C; plus strand), LOC126863306 (MED14-independent group 3 enhancer GRCh37_chrX:114140926-114142125; plus strand). Cytogenetic location: Xq23.
Variant type: single nucleotide variant.
Coding change: c.739A>G on transcript NM_000868.4 (MANE Select); coding-DNA position 739, A replaced by G.
Protein change: p.Met247Val; replaces methionine 247 with valine.
Molecular consequence: missense variant.
Genome position (GRCh38, 1-based): chrX:114,906,777, A>G. VCF-style: chrX-114906777-A-G. GRCh37 (hg19) VCF-style: chrX-114141340-A-G.
Other names: c.739A>G, p.Met247Val (NM_001256760.3); c.644A>G, p.Asp215Gly (NM_001256761.3); short protein forms D215G, M247V.
Identifiers: ClinVar variation 4987123 (VCV004987123.1).
Genomic context (GRCh38, chrX:114,906,777, plus strand): 5'-CTGACGATTATGGTGATTACGTATTGCCTGACCATCTACGTTCTGCGCCGACAAGCTTTG[A>G]TGTTACTGCACGGCCACACCGAGGAACCGCCTGGACTAAGTCTGGATTTCCTGAAGTGCT-3'
Protein context (NP_000859.2, residues 237-257): TIYVLRRQAL[Met247Val]LLHGHTEEPP